The following is an entry in ClinVar:

ClinVar aggregate classification (germline): Pathogenic (1 of 4 stars; one submission).

Conditions:
Hypodontia. Also called: Partial congenital absence of teeth; TOOTH AGENESIS, FAMILIAL; Tooth agenesis, selective. Identifiers: Orphanet 99798, MedGen C0020608, MONDO:0005486, HP:0000668. Disease mechanism: loss of function.

Submission:

Labcorp Genetics (formerly Invitae), Labcorp
Classification: Pathogenic for Hypodontia. Last evaluated: 2021-11-16. Review status: criteria provided, single submitter. Criteria: Invitae Variant Classification Sherloc (09022015). Collection method: clinical testing. Allele origin: germline.
Comment: This variant has not been reported in the literature in individuals affected with PAX9-related conditions. For these reasons, this variant has been classified as Pathogenic. This variant is not present in population databases (gnomAD no frequency). This sequence change creates a premature translational stop signal (p.Tyr143*) in the PAX9 gene. It is expected to result in an absent or disrupted protein product. Loss-of-function variants in PAX9 are known to be pathogenic (PMID: 14607846, 16236760, 16479262).

Literature cited by the submitters: PubMed 14607846; PubMed 16236760; PubMed 16479262.

NM_001372076.1(PAX9):c.428dup (p.Tyr143Ter)

Gene: PAX9 (paired box 9; plus strand). Cytogenetic location: 14q13.3.
Variant type: Duplication.
Coding change: c.428dup on transcript NM_001372076.1 (MANE Select); coding-DNA position 428, one base duplicated (A; older notation c.428dupA).
Protein change: p.Tyr143Ter; replaces tyrosine 143 with a stop codon.
Molecular consequence: nonsense.
Genome position (GRCh38, 1-based): chr14:36,663,320, A duplicated. VCF-style (leftmost placement, unchanged base first): chr14-36663319-T-TA. GRCh37 (hg19) VCF-style: chr14-37132524-T-TA.
Other names: c.428dup, p.Tyr143Ter (NM_006194.4); short protein forms Y143*.
Identifiers: ClinVar variation 1458120 (VCV001458120.6), dbSNP rs2139108430, ClinGen allele CA2573149923.